The following is an entry in ClinVar:

ClinVar aggregate classification (germline): Likely pathogenic (1 of 4 stars; one submission).

Conditions:
Hereditary lymphedema type I (LMPHM1). Also called: LYMPHATIC MALFORMATION 1; Milroy Disease; Nonne-Milroy disease; Congenital hereditary lymphedema; Early onset lymphedema; Hereditary lymphedema 1. Identifiers: Orphanet 79452, MedGen C1704423, MONDO:0007919, OMIM 153100.

Submission:

MVZ Medizinische Genetik Mainz
Classification: Likely pathogenic for Hereditary lymphedema type I. Last evaluated: 2026-02-25. Review status: criteria provided, single submitter. Criteria: UK Practice Guidelines For Variant Classification V4 01 2020. Collection method: clinical testing. Allele origin: germline. Inheritance: Autosomal dominant inheritance. Affected: yes. Observed: 1 variant allele.
Comment: ACMG Criteria: PM1,PM5,PP3_MOD,PM2_SUP

NM_182925.5(FLT4):c.3229C>T (p.Pro1077Ser)

Gene: FLT4 (fms related receptor tyrosine kinase 4; minus strand). Cytogenetic location: 5q35.3.
Variant type: single nucleotide variant.
Coding change: c.3229C>T on transcript NM_182925.5 (MANE Select); coding-DNA position 3229, C replaced by T.
Protein change: p.Pro1077Ser; replaces proline 1077 with serine.
Molecular consequence: missense variant.
Genome position (GRCh38, 1-based): chr5:180,614,170, G>A on the plus strand (C>T on the coding strand, the complement: FLT4 is on the minus strand). VCF-style: chr5-180614170-G-A. GRCh37 (hg19) VCF-style: chr5-180041170-G-A.
Other names: c.3229C>T, p.Pro1077Ser (NM_001354989.2, NM_002020.5); short protein forms P1077S.
Identifiers: ClinVar variation 4818881 (VCV004818881.1).